The following is an entry in ClinVar:

ClinVar aggregate classification (germline): Uncertain significance (1 of 4 stars; one submission).

gnomAD v4.1: 8 of 1,613,578 alleles (0.0005%); highest among the groups gnomAD compares: Non-Finnish European, 0.00068%; no homozygotes.

Submission:

Labcorp Genetics (formerly Invitae), Labcorp
Classification: Uncertain significance. Last evaluated: 2024-08-13. Review status: criteria provided, single submitter. Criteria: Invitae Variant Classification Sherloc (09022015). Collection method: clinical testing. Allele origin: germline.
Comment: This sequence change replaces proline, which is neutral and non-polar, with serine, which is neutral and polar, at codon 284 of the TULP1 protein (p.Pro284Ser). This variant is present in population databases (no rsID available, gnomAD 0.0009%). This variant has not been reported in the literature in individuals affected with TULP1-related conditions. ClinVar contains an entry for this variant (Variation ID: 2167303). Advanced modeling of protein sequence and biophysical properties (such as structural, functional, and spatial information, amino acid conservation, physicochemical variation, residue mobility, and thermodynamic stability) performed at Invitae indicates that this missense variant is not expected to disrupt TULP1 protein function with a negative predictive value of 95%. In summary, the available evidence is currently insufficient to determine the role of this variant in disease. Therefore, it has been classified as a Variant of Uncertain Significance.

NM_003322.6(TULP1):c.850C>T (p.Pro284Ser)

Gene: TULP1 (TUB like protein 1; minus strand). Cytogenetic location: 6p21.31.
Variant type: single nucleotide variant.
Coding change: c.850C>T on transcript NM_003322.6 (MANE Select); coding-DNA position 850, C replaced by T.
Protein change: p.Pro284Ser; replaces proline 284 with serine.
Molecular consequence: missense variant.
Genome position (GRCh38, 1-based): chr6:35,506,152, G>A on the plus strand (C>T on the coding strand, the complement: TULP1 is on the minus strand). VCF-style: chr6-35506152-G-A. GRCh37 (hg19) VCF-style: chr6-35473929-G-A.
Other names: c.691C>T, p.Pro231Ser (NM_001289395.2); short protein forms P284S, P231S.
Identifiers: ClinVar variation 2167303 (VCV002167303.3), dbSNP rs1031311902, ClinGen allele CA137288746.